The following is an entry in ClinVar:

NM_000275.3(OCA2):c.2414C>T (p.Ser805Phe)

Gene: OCA2 (OCA2 melanosomal transmembrane protein; minus strand). Cytogenetic location: 15q13.1.
Variant type: single nucleotide variant.
Coding change: c.2414C>T on transcript NM_000275.3 (MANE Select); coding-DNA position 2414, C replaced by T.
Protein change: p.Ser805Phe; replaces serine 805 with phenylalanine.
Molecular consequence: missense variant.
Genome position (GRCh38, 1-based): chr15:27,844,977, G>A on the plus strand (C>T on the coding strand, the complement: OCA2 is on the minus strand). VCF-style: chr15-27844977-G-A. GRCh37 (hg19) VCF-style: chr15-28090123-G-A.
Other names: c.2342C>T, p.Ser781Phe (NM_001300984.2); short protein forms S805F, S781F.
Identifiers: ClinVar variation 5005372 (VCV005005372.2).

ClinVar aggregate classification (germline): Uncertain significance (1 of 4 stars; one submission).

Conditions:
Tyrosinase-positive oculocutaneous albinism (OCA2). Also called: ALBINISM II; Oculocutaneous albinism type 2; Albinism, oculocutaneous, type II. Identifiers: Orphanet 79432, MedGen C0268495, MONDO:0008746, OMIM 203200.

gnomAD v4.1: 5 of 1,612,366 alleles (0.00031%); highest among the groups gnomAD compares: Admixed American, 0.0033%; no homozygotes.

Submission:

Juno Genomics, Hangzhou Juno Genomics, Inc
Classification: Uncertain significance for Tyrosinase-positive oculocutaneous albinism. Review status: criteria provided, single submitter. Criteria: ACMG Guidelines, 2015. Collection method: clinical testing. Allele origin: germline.
Comment: Absent from controls (or at extremely low frequency if recessive) in Genome Aggregation Database.;Multiple lines of computational evidence support a deleterious effect on the gene or gene product.